The following is an entry in ClinVar:

ClinVar aggregate classification (germline): Uncertain significance (1 of 4 stars; one submission).

Submission:

GeneDx
Classification: Uncertain significance. Last evaluated: 2022-12-01. Review status: criteria provided, single submitter. Criteria: GeneDx Variant Classification Process June 2021. Collection method: clinical testing. Allele origin: germline. Affected: yes.
Comment: Not observed at significant frequency in large population cohorts (gnomAD); In silico analysis supports that this missense variant has a deleterious effect on protein structure/function; Has not been previously published as pathogenic or benign to our knowledge

NM_001085458.2(CTNND1):c.871T>A (p.Tyr291Asn)

Genes: CTNND1 (catenin delta 1; plus strand), TMX2-CTNND1 (TMX2-CTNND1 readthrough (NMD candidate); plus strand). Cytogenetic location: 11q12.1.
Variant type: single nucleotide variant.
Coding change: c.871T>A on transcript NM_001085458.2 (MANE Select); coding-DNA position 871, T replaced by A.
Protein change: p.Tyr291Asn; replaces tyrosine 291 with asparagine.
Molecular consequence: missense variant. On other transcripts: non-coding transcript variant (1).
Genome position (GRCh38, 1-based): chr11:57,796,907, T>A. VCF-style: chr11-57796907-T-A. GRCh37 (hg19) VCF-style: chr11-57564379-T-A.
Other names: c.871T>A, p.Tyr291Asn (NM_001085459.2, NM_001085460.2, NM_001085461.2 and 3 more transcripts); c.568T>A, p.Tyr190Asn (NM_001085463.2, NM_001085464.2, NM_001085465.2 and 5 more transcripts); c.709T>A, p.Tyr237Asn (NM_001206883.2, NM_001206884.2, NM_001206886.2 and 4 more transcripts); short protein forms Y190N, Y237N, Y291N.
Identifiers: ClinVar variation 2504230 (VCV002504230.1), dbSNP rs2497146673, ClinGen allele CA380724738.